The following is an entry in ClinVar:

ClinVar aggregate classification (germline): Uncertain significance (1 of 4 stars; one submission).

Conditions:
Intellectual disability, autosomal recessive 53 (NEDHSCA). Also called: GLYCOSYLPHOSPHATIDYLINOSITOL BIOSYNTHESIS DEFECT 13; Mental retardation, autosomal recessive 53; NEURODEVELOPMENTAL DISORDER WITH OR WITHOUT HYPOTONIA, SEIZURES, AND CEREBELLAR ATROPHY. Identifiers: Orphanet 488635, MedGen C4310794, MONDO:0014832, OMIM 616917.

Allele frequency attached by ClinVar (database versions not stated): gnomAD exomes below 0.00001; gnomAD 0.00001; TOPMed 0.00001; ESP Exome Variant Server 0.00008.

Submission:

Labcorp Genetics (formerly Invitae), Labcorp
Classification: Uncertain significance for Intellectual disability, autosomal recessive 53. Last evaluated: 2021-09-17. Review status: criteria provided, single submitter. Criteria: Invitae Variant Classification Sherloc (09022015). Collection method: clinical testing. Allele origin: germline.
Comment: This sequence change replaces isoleucine with threonine at codon 73 of the PIGG protein (p.Ile73Thr). The isoleucine residue is moderately conserved and there is a moderate physicochemical difference between isoleucine and threonine. This variant is not present in population databases (ExAC no frequency). This variant has not been reported in the literature in individuals affected with PIGG-related conditions. Algorithms developed to predict the effect of missense changes on protein structure and function are either unavailable or do not agree on the potential impact of this missense change (SIFT: "Deleterious"; PolyPhen-2: "Probably Damaging"; Align-GVGD: "Class C0"). In summary, the available evidence is currently insufficient to determine the role of this variant in disease. Therefore, it has been classified as a Variant of Uncertain Significance.

NM_001127178.3(PIGG):c.218T>C (p.Ile73Thr)

Gene: PIGG (phosphatidylinositol glycan anchor biosynthesis class G (EMM blood group); plus strand). Cytogenetic location: 4p16.3.
Variant type: single nucleotide variant.
Coding change: c.218T>C on transcript NM_001127178.3 (MANE Select); coding-DNA position 218, T replaced by C.
Protein change: p.Ile73Thr; replaces isoleucine 73 with threonine.
Molecular consequence: missense variant. On other transcripts: 5 prime UTR variant (10), non-coding transcript variant (10).
Genome position (GRCh38, 1-based): chr4:500,459, T>C. VCF-style: chr4-500459-T-C. GRCh37 (hg19) VCF-style: chr4-494248-T-C.
Other names: c.-50T>C (NM_001289051.2, NM_001289053.2, NM_001289057.2 and 2 more transcripts); c.218T>C, p.Ile73Thr (NM_001289052.2, NM_001345989.2, NM_017733.5); c.-219T>C (NM_001289055.2); c.-670T>C (NM_001345988.2); c.-1408T>C (NM_001345990.2); c.-1270T>C (NM_001345991.2); c.-995T>C (NM_001345994.2); short protein forms I73T.
Identifiers: ClinVar variation 1403832 (VCV001403832.3), dbSNP rs143202449, ClinGen allele CA91045460.